The following is an entry in ClinVar:

NM_001277115.2(DNAH11):c.2069G>A (p.Trp690Ter)

Gene: DNAH11 (dynein axonemal heavy chain 11; plus strand). Cytogenetic location: 7p15.3.
Variant type: single nucleotide variant.
Coding change: c.2069G>A on transcript NM_001277115.2 (MANE Select); coding-DNA position 2069, G replaced by A.
Protein change: p.Trp690Ter; replaces tryptophan 690 with a stop codon.
Molecular consequence: nonsense.
Genome position (GRCh38, 1-based): chr7:21,589,303, G>A. VCF-style: chr7-21589303-G-A. GRCh37 (hg19) VCF-style: chr7-21628921-G-A.
Other names: c.2069G>A, p.Trp690Ter (NM_003777.3); short protein forms W690*.
Identifiers: ClinVar variation 2848433 (VCV002848433.3), dbSNP rs1784592491, ClinGen allele CA366940719.
Genomic context (GRCh38, chr7:21,589,303, plus strand): 5'-AAAAGTATGTTGAAATGACCACTTTGCTTGATCAATTTGAAAGTCGTATCTATAATGAAT[G>A]GAAAAGTAATGTGGATGAAATCTGTGAATTCAATTTGAATCAACCCTTGGTTAAATTCAG-3'

ClinVar aggregate classification (germline): Pathogenic (1 of 4 stars; one submission).

Conditions:
Primary ciliary dyskinesia. Also called: Ciliary dyskinesia. Identifiers: Orphanet 244, MedGen C0008780, MONDO:0016575, HP:0012265.

Allele frequency attached by ClinVar (database versions not stated): gnomAD exomes below 0.00001.
gnomAD v4.1: 2 of 1,610,224 alleles (0.00012%); highest among the groups gnomAD compares: East Asian, 0.0045%; no homozygotes.

Submission:

Labcorp Genetics (formerly Invitae), Labcorp
Classification: Pathogenic for Primary ciliary dyskinesia. Last evaluated: 2023-03-22. Review status: criteria provided, single submitter. Criteria: Invitae Variant Classification Sherloc (09022015). Collection method: clinical testing. Allele origin: germline.
Comment: This variant is not present in population databases (gnomAD no frequency). For these reasons, this variant has been classified as Pathogenic. Algorithms developed to predict the effect of sequence changes on RNA splicing suggest that this variant may disrupt the consensus splice site. This variant has not been reported in the literature in individuals affected with DNAH11-related conditions. This sequence change creates a premature translational stop signal (p.Trp690*) in the DNAH11 gene. It is expected to result in an absent or disrupted protein product. Loss-of-function variants in DNAH11 are known to be pathogenic (PMID: 18022865, 20513915, 22184204).

Literature cited by the submitters: PubMed 18022865; PubMed 20513915; PubMed 22184204.